The following is an entry in ClinVar:

NM_001082538.3(TCTN1):c.1636-18TC[2]

Gene: TCTN1 (tectonic family member 1; plus strand). Cytogenetic location: 12q24.11.
Variant type: Microsatellite.
Coding change: c.1636-18TC[2] on transcript NM_001082538.3 (MANE Select); two copies in a row of the 2-base unit TC starting at c.1636-18.
Molecular consequence: intron variant.
Genome position: GRCh38 VCF-style: chr12-110647730-ATC-A. GRCh37 (hg19) VCF-style: chr12-111085535-ATC-A.
Other names: NC_000012.11:g.111085541_111085542del; c.1453-18TC[2] (NM_001173975.3); c.1309-18TC[2] (NM_001173976.2); c.1087-18TC[2] (NM_001319681.2); c.1579-18TC[2] (NM_024549.6); c.1621-18TC[2] (NM_001082537.3); c.1474-18TC[2] (NM_001319680.2); c.1636-13_1636-12del (NM_001082538.3).
Identifiers: ClinVar variation 445373 (VCV000445373.13), dbSNP rs201913681, ClinGen allele CA6786958.

ClinVar aggregate classification (germline): Benign/Likely benign. Review status: criteria provided, multiple submitters, no conflicts (2 of 4 stars). 3 submissions from 3 submitters: Benign (1); Likely benign (2). Last evaluated 2026-02-02.

Conditions:
Joubert syndrome. Also called: Familial aplasia of the vermis; JOUBERT-BOLTSHAUSER SYNDROME. Identifiers: Orphanet 475, MedGen C5979921, MONDO:0018772.
Meckel-Gruber syndrome. Also called: GRUBER SYNDROME; DYSENCEPHALIA SPLANCHNOCYSTICA; Dysencephalia splachnocystica. Identifiers: Orphanet 564, MedGen C0265215, MONDO:0018921.

Submissions (16):

Labcorp Genetics (formerly Invitae), Labcorp
Classification: Benign for Joubert syndrome; Meckel-Gruber syndrome. Last evaluated: 2026-02-02. Review status: criteria provided, single submitter. Criteria: Invitae Variant Classification Sherloc (09022015). Collection method: clinical testing. Allele origin: germline.

GeneDx
Classification: Likely benign. Last evaluated: 2018-06-19. Review status: criteria provided, single submitter. Criteria: GeneDx Variant Classification (06012015). Collection method: clinical testing. Allele origin: germline. Affected: yes.
Comment: This variant is considered likely benign or benign based on one or more of the following criteria: it is a conservative change, it occurs at a poorly conserved position in the protein, it is predicted to be benign by multiple in silico algorithms, and/or has population frequency not consistent with disease.

Center for Pediatric Genomic Medicine, Children's Mercy Hospital and Clinics
Classification: Likely benign. Last evaluated: 2017-08-23. Review status: criteria provided, single submitter. Criteria: ACMG Guidelines, 2015. Collection method: clinical testing. Allele origin: germline.

Dr. Peter K. Rogan Lab, Western University
No classification provided (evidence only). Condition: Familial cancer of breast. Review status: no classification provided. Collection method: in vitro. Allele origin: not applicable. Functional consequence: skipped exon. Not counted in ClinVar's aggregate classification.

Dr. Peter K. Rogan Lab, Western University
No classification provided (evidence only). Condition: Familial cancer of breast. Review status: no classification provided. Collection method: in vitro. Allele origin: not applicable. Functional consequence: skipped exon. Not counted in ClinVar's aggregate classification.

Dr. Peter K. Rogan Lab, Western University
No classification provided (evidence only). Condition: Familial cancer of breast. Review status: no classification provided. Collection method: in vitro. Allele origin: not applicable. Functional consequence: skipped exon, retained intron. Not counted in ClinVar's aggregate classification.

Dr. Peter K. Rogan Lab, Western University
No classification provided (evidence only). Condition: Familial cancer of breast. Review status: no classification provided. Collection method: in vitro. Allele origin: not applicable. Functional consequence: skipped exon. Not counted in ClinVar's aggregate classification.

Dr. Peter K. Rogan Lab, Western University
No classification provided (evidence only). Condition: Familial cancer of breast. Review status: no classification provided. Collection method: in vitro. Allele origin: not applicable. Functional consequence: skipped exon. Not counted in ClinVar's aggregate classification.

Dr. Peter K. Rogan Lab, Western University
No classification provided (evidence only). Condition: Familial cancer of breast. Review status: no classification provided. Collection method: in vitro. Allele origin: not applicable. Functional consequence: skipped exon. Not counted in ClinVar's aggregate classification.

Dr. Peter K. Rogan Lab, Western University
No classification provided (evidence only). Condition: Familial cancer of breast. Review status: no classification provided. Collection method: in vitro. Allele origin: not applicable. Functional consequence: skipped exon. Not counted in ClinVar's aggregate classification.

Dr. Peter K. Rogan Lab, Western University
No classification provided (evidence only). Condition: Colon adenocarcinoma. Review status: no classification provided. Collection method: in vitro. Allele origin: not applicable. Functional consequence: skipped exon. Not counted in ClinVar's aggregate classification.

Dr. Peter K. Rogan Lab, Western University
No classification provided (evidence only). Condition: Malignant lymphoma, large B-cell, diffuse. Review status: no classification provided. Collection method: in vitro. Allele origin: not applicable. Functional consequence: skipped exon. Not counted in ClinVar's aggregate classification.

Dr. Peter K. Rogan Lab, Western University
No classification provided (evidence only). Condition: Malignant lymphoma, large B-cell, diffuse. Review status: no classification provided. Collection method: in vitro. Allele origin: not applicable. Functional consequence: skipped exon. Not counted in ClinVar's aggregate classification.

Dr. Peter K. Rogan Lab, Western University
No classification provided (evidence only). Condition: Colorectal cancer. Review status: no classification provided. Collection method: in vitro. Allele origin: not applicable. Functional consequence: skipped exon. Not counted in ClinVar's aggregate classification.

Dr. Peter K. Rogan Lab, Western University
No classification provided (evidence only). Condition: Gastric cancer. Review status: no classification provided. Collection method: in vitro. Allele origin: not applicable. Functional consequence: skipped exon. Not counted in ClinVar's aggregate classification.

Dr. Peter K. Rogan Lab, Western University
No classification provided (evidence only). Condition: Malignant tumor of esophagus. Review status: no classification provided. Collection method: in vitro. Allele origin: not applicable. Functional consequence: skipped exon. Not counted in ClinVar's aggregate classification.